The following is an entry in ClinVar:

ClinVar aggregate classification (germline): Uncertain significance (1 of 4 stars; one submission).

Submission:

Labcorp Genetics (formerly Invitae), Labcorp
Classification: Uncertain significance. Last evaluated: 2024-10-15. Review status: criteria provided, single submitter. Criteria: Invitae Variant Classification Sherloc (09022015). Collection method: clinical testing. Allele origin: germline.
Comment: This sequence change replaces serine, which is neutral and polar, with alanine, which is neutral and non-polar, at codon 420 of the ZCCHC8 protein (p.Ser420Ala). This variant is not present in population databases (gnomAD no frequency). This variant has not been reported in the literature in individuals affected with ZCCHC8-related conditions. Invitae Evidence Modeling of protein sequence and biophysical properties (such as structural, functional, and spatial information, amino acid conservation, physicochemical variation, residue mobility, and thermodynamic stability) indicates that this missense variant is not expected to disrupt ZCCHC8 protein function with a negative predictive value of 80%. In summary, the available evidence is currently insufficient to determine the role of this variant in disease. Therefore, it has been classified as a Variant of Uncertain Significance.

NM_017612.5(ZCCHC8):c.1258T>G (p.Ser420Ala)

Gene: ZCCHC8 (zinc finger CCHC-type containing 8; minus strand). Cytogenetic location: 12q24.31.
Variant type: single nucleotide variant.
Coding change: c.1258T>G on transcript NM_017612.5 (MANE Select); coding-DNA position 1258, T replaced by G.
Protein change: p.Ser420Ala; replaces serine 420 with alanine.
Molecular consequence: missense variant.
Genome position (GRCh38, 1-based): chr12:122,477,928, A>C on the plus strand (T>G on the coding strand, the complement: ZCCHC8 is on the minus strand). VCF-style: chr12-122477928-A-C. GRCh37 (hg19) VCF-style: chr12-122962475-A-C.
Other names: c.1027T>G, p.Ser343Ala (NM_001350935.2); c.961T>G, p.Ser321Ala (NM_001350936.2); c.544T>G, p.Ser182Ala (NM_001350937.2, NM_001350938.2); short protein forms S321A, S343A, S182A, S420A.
Identifiers: ClinVar variation 2849968 (VCV002849968.3), dbSNP rs2547198638, ClinGen allele CA387050837.
Genomic context (GRCh38, chr12:122,477,928, plus strand): 5'-ATCCCGCTGAGTTGCTTTCATTCTTCTGCTTCTTTGGACTACCTGGGCTAGAGTGAGATG[A>C]AGACCTCTTGTTGCCAGACTTCACACCTGGCTAAAAGAGCAACCAGACCAAACACAAGTT-3'
Protein context (NP_060082.2, residues 410-430): PGVKSGNKRS[Ser420Ala]SHSSPGSPKK